The following is an entry in ClinVar:

NM_000093.5(COL5A1):c.5229_5230del (p.Tyr1744fs)

Genes: COL5A1 (collagen type V alpha 1 chain; plus strand), LOC101448202 (uncharacterized LOC101448202; minus strand). Cytogenetic location: 9q34.3.
Variant type: Deletion.
Coding change: c.5229_5230del on transcript NM_000093.5 (MANE Select); coding-DNA positions 5229 to 5230, 2 bases deleted (CT; older notation c.5229_5230delCT).
Protein change: p.Tyr1744fs; shifts the reading frame from tyrosine 1744.
Molecular consequence: frameshift variant.
Genome position (GRCh38, 1-based): chr9:134,835,063-134,835,064, CT deleted. VCF-style (leftmost placement, unchanged base first): chr9-134835062-CCT-C. GRCh37 (hg19) VCF-style: chr9-137726908-CCT-C.
Other names: c.5229_5230del, p.Tyr1744fs (NM_001278074.1); short protein forms Y1744fs.
Identifiers: ClinVar variation 1444472 (VCV001444472.6), dbSNP rs2132925682, ClinGen allele CA2573144156.
Genomic context (GRCh38, chr9:134,835,062, plus strand): 5'-TGGGTGTGGTACAGATGACCTTCCTGCGGCTGCTGAGCGCCTCTGCCCACCAGAACGTCA[CCT>C]ACCACTGCTACCAGTCAGTGGCCTGGCAGGACGCAGCCACGGGCAGCTACGACAAGGCCC-3'

ClinVar aggregate classification (germline): Pathogenic (1 of 4 stars; one submission).

Conditions:
Ehlers-Danlos syndrome, classic type, 1 (EDSCL1). Also called: EHLERS-DANLOS SYNDROME, GRAVIS TYPE; EHLERS-DANLOS SYNDROME, SEVERE CLASSIC TYPE; Ehlers-Danlos syndrome, type 1; Ehlers-Danlos Syndrome, Classic Type, COL5A1-Related; EDS I. Identifiers: MedGen C0268335, MONDO:0019567, OMIM 130000.

Submission:

Labcorp Genetics (formerly Invitae), Labcorp
Classification: Pathogenic for Ehlers-Danlos syndrome, classic type, 1. Last evaluated: 2021-07-01. Review status: criteria provided, single submitter. Criteria: Invitae Variant Classification Sherloc (09022015). Collection method: clinical testing. Allele origin: germline.
Comment: This variant has not been reported in the literature in individuals affected with COL5A1-related conditions. This sequence change creates a premature translational stop signal (p.Tyr1744Profs*33) in the COL5A1 gene. While this is not anticipated to result in nonsense mediated decay, it is expected to disrupt the last 95 amino acid(s) of the COL5A1 protein. This variant is not present in population databases (ExAC no frequency). This variant disrupts a region of the COL5A1 protein in which other variant(s) (p.Gln1809*) have been determined to be pathogenic (Invitae). This suggests that this is a clinically significant region of the protein, and that variants that disrupt it are likely to be disease-causing. For these reasons, this variant has been classified as Pathogenic.